The following is an entry in ClinVar:

ClinVar aggregate classification (germline): Uncertain significance (0 of 4 stars; one submission).

Conditions:
ANG-related disorder. Also called: ANG-related condition.

gnomAD v4.1: 8 of 1,613,978 alleles (0.0005%); highest among the groups gnomAD compares: East Asian, 0.0022%; no homozygotes.

Submission:

PreventionGenetics, part of Exact Sciences
Classification: Uncertain significance for ANG-related condition. Last evaluated: 2023-11-16. Review status: no assertion criteria provided. Collection method: clinical testing. Allele origin: germline.
Comment: The ANG c.356G>A variant is predicted to result in the amino acid substitution p.Arg119Gln. To our knowledge, this variant has not been reported in the literature. This variant is reported in 0.0018% of alleles in individuals of European (Non-Finnish) descent in gnomAD. At this time, the clinical significance of this variant is uncertain due to the absence of conclusive functional and genetic evidence.

NM_001097577.3(ANG):c.356G>A (p.Arg119Gln)

Genes: ANG (angiogenin; plus strand), EGILA (EGFR interacting lncRNA; minus strand), RNASE4 (ribonuclease A family member 4; plus strand). Cytogenetic location: 14q11.2.
Variant type: single nucleotide variant.
Coding change: c.356G>A on transcript NM_001097577.3 (MANE Select); coding-DNA position 356, G replaced by A.
Protein change: p.Arg119Gln; replaces arginine 119 with glutamine.
Molecular consequence: missense variant. On other transcripts: intron variant (4).
Genome position (GRCh38, 1-based): chr14:20,693,920, G>A. VCF-style: chr14-20693920-G-A. GRCh37 (hg19) VCF-style: chr14-21162079-G-A.
Other names: c.356G>A, p.Arg119Gln (NM_001145.4, NM_001385271.1, NM_001385272.1 and 2 more transcripts); c.-18+270G>A (NM_001282192.2); c.-17-5435G>A (NM_002937.5, NM_001282193.2); c.-18+5046G>A (NM_194431.3); short protein forms R119Q.
Identifiers: ClinVar variation 3051906 (VCV003051906.2), dbSNP rs141398857, ClinGen allele CA7083178.